The following is an entry in ClinVar:

NC_000002.12:g.240042774_240042801del

Gene: PRR21 (proline rich 21; minus strand). Cytogenetic location: 2q37.3.
Variant type: Deletion.
Genome position: GRCh38 VCF-style: chr2-240042746-ATGAAGGGACATGGGTGAAGAGCCGTGGG-A. GRCh37 (hg19) VCF-style: chr2-240982163-ATGAAGGGACATGGGTGAAGAGCCGTGGG-A.
Identifiers: ClinVar variation 4821614 (VCV004821614.4).
Genomic context (GRCh38, chr2:240,042,746, plus strand): 5'-ATGGACGAAGGGCCGTGGGTGAAGAGGCATGGATGAAGGACTGTGGGTGAAGAGCCGTGG[ATGAAGGGACATGGGTGAAGAGCCGTGGG>A]TGAAGGGACATGGGTGAAGAGCCGTGGATGAAGGGCCGTGGGTGAAGAGCCGTGGATGAA-3'

ClinVar aggregate classification (germline): Likely benign (1 of 4 stars; one submission).

Submission:

CeGaT Center for Human Genetics Tuebingen
Classification: Likely benign. Last evaluated: 2026-02-01. Review status: criteria provided, single submitter. Criteria: CeGaT Center For Human Genetics Tuebingen Variant Classification Criteria Version 2. Collection method: clinical testing. Allele origin: germline. Affected: yes. Observed: 1 variant allele.
Comment: PRR21: BS2